The following is an entry in ClinVar:

ClinVar aggregate classification (germline): Uncertain significance (1 of 4 stars; one submission).

Conditions:
Hereditary cancer-predisposing syndrome. Also called: Neoplastic Syndromes, Hereditary; Tumor predisposition; Hereditary Cancer Syndrome; Hereditary neoplastic syndrome. Identifiers: Orphanet 140162, MedGen C0027672, MeSH D009386, MONDO:0015356.

Submission:

Ambry Genetics
Classification: Uncertain significance for Hereditary cancer-predisposing syndrome. Last evaluated: 2026-04-28. Review status: criteria provided, single submitter. Criteria: Ambry Variant Classification Scheme 2023. Collection method: clinical testing. Allele origin: germline.
Comment: The p.E1161D variant (also known as c.3483A>C), located in coding exon 9 of the BRCA1 gene, results from an A to C substitution at nucleotide position 3483. The glutamic acid at codon 1161 is replaced by aspartic acid, an amino acid with highly similar properties. This amino acid position is conserved. In addition, the in silico prediction for this alteration is inconclusive. Based on the available evidence, the clinical significance of this variant remains unclear.

NM_007294.4(BRCA1):c.3483A>C (p.Glu1161Asp)

Genes: BRCA1 (BRCA1 DNA repair associated; minus strand), LOC126862571 (BRD4-independent group 4 enhancer GRCh37_chr17:41243136-41244335; plus strand). Cytogenetic location: 17q21.31.
Variant type: single nucleotide variant.
Coding change: c.3483A>C on transcript NM_007294.4 (MANE Select); coding-DNA position 3483, A replaced by C.
Protein change: p.Glu1161Asp; replaces glutamic acid 1161 with aspartic acid.
Molecular consequence: missense variant. On other transcripts: intron variant (135).
Genome position (GRCh38, 1-based): chr17:43,092,048, T>G on the plus strand (A>C on the coding strand, the complement: BRCA1 is on the minus strand). VCF-style: chr17-43092048-T-G. GRCh37 (hg19) VCF-style: chr17-41244065-T-G.
Other names: c.3360A>C, p.Glu1120Asp (NM_001407676.1, NM_001407677.1, NM_001407678.1 and 19 more transcripts); c.3483A>C, p.Glu1161Asp (NM_001407684.1, NM_001407581.1, NM_001407582.1 and 30 more transcripts); c.3357A>C, p.Glu1119Asp (NM_001407685.1, NM_001407649.1, NM_001407670.1 and 11 more transcripts); c.3270A>C, p.Glu1090Asp (NM_001407571.1, NM_001407853.1, NM_001407894.1 and 9 more transcripts); c.3480A>C, p.Glu1160Asp (NM_001407587.1, NM_001407590.1, NM_001407591.1 and 22 more transcripts); c.3474A>C, p.Glu1158Asp (NM_001407646.1, NM_001407647.1); c.3405A>C, p.Glu1135Asp (NM_001407653.1, NM_001407654.1, NM_001407655.1 and 4 more transcripts); c.3402A>C, p.Glu1134Asp (NM_001407659.1, NM_001407660.1, NM_001407661.1 and 1 more transcripts); and 41 more; short protein forms E1033D, E1034D, E1049D, E1050D, E1072D, E1073D, E1090D, E1091D.
Identifiers: ClinVar variation 4867724 (VCV004867724.1).